The following is an entry in ClinVar:

ClinVar aggregate classification (germline): Likely benign. Review status: criteria provided, multiple submitters, no conflicts (2 of 4 stars). 4 submissions from 4 submitters: Likely benign (4). Last evaluated 2025-10-30.

Conditions:
Inborn genetic diseases. Identifiers: MedGen C0950123, MeSH D030342.
Familial sleep-related hypermotor epilepsy. Also called: Autosomal Dominant Sleep-Related Hypermotor (Hyperkinetic) Epilepsy. Identifiers: Orphanet 98784, MedGen C3696898, MONDO:0000030.

Allele frequency attached by ClinVar (database versions not stated): gnomAD below 0.00001 and 0.00001; gnomAD exomes 0.00002 and 0.00007; ExAC 0.00014.

Submissions (4):

Ambry Genetics
Classification: Likely benign for Inborn genetic diseases. Last evaluated: 2025-10-30. Review status: criteria provided, single submitter. Criteria: Ambry Variant Classification Scheme 2023. Collection method: clinical testing. Allele origin: germline.

Labcorp Genetics (formerly Invitae), Labcorp
Classification: Likely benign. Last evaluated: 2024-10-21. Review status: criteria provided, single submitter. Criteria: Invitae Variant Classification Sherloc (09022015). Collection method: clinical testing. Allele origin: germline.

Blueprint Genetics
Classification: Likely benign. Last evaluated: 2022-08-18. Review status: criteria provided, single submitter. Criteria: ACMG Guidelines, 2015. Collection method: clinical testing. Allele origin: germline.

GeneDx
Classification: Likely benign. Last evaluated: 2016-04-07. Review status: criteria provided, single submitter. Criteria: GeneDx Variant Classification (06012015). Collection method: clinical testing. Allele origin: germline. Affected: yes.
Comment: This variant is considered likely benign or benign based on one or more of the following criteria: it is a conservative change, it occurs at a poorly conserved position in the protein, it is predicted to be benign by multiple in silico algorithms, and/or has population frequency not consistent with disease.

NM_000742.4(CHRNA2):c.1174C>T (p.Pro392Ser)

Gene: CHRNA2 (cholinergic receptor nicotinic alpha 2 subunit; minus strand). Cytogenetic location: 8p21.2.
Variant type: single nucleotide variant.
Coding change: c.1174C>T on transcript NM_000742.4 (MANE Select); coding-DNA position 1174, C replaced by T.
Protein change: p.Pro392Ser; replaces proline 392 with serine.
Molecular consequence: missense variant.
Genome position (GRCh38, 1-based): chr8:27,463,269, G>A on the plus strand (C>T on the coding strand, the complement: CHRNA2 is on the minus strand). VCF-style: chr8-27463269-G-A. GRCh37 (hg19) VCF-style: chr8-27320786-G-A.
Other names: c.1129C>T, p.Pro377Ser (NM_001282455.2); c.697C>T, p.Pro233Ser (NM_001347705.2, NM_001347706.2); c.580C>T, p.Pro194Ser (NM_001347707.2, NM_001347708.2); short protein forms P392S, P377S, P194S, P233S.
Identifiers: ClinVar variation 384959 (VCV000384959.7), dbSNP rs762406891, ClinGen allele CA4689509.